The following is an entry in ClinVar:

NM_198578.4(LRRK2):c.7400A>G (p.Lys2467Arg)

Gene: LRRK2 (leucine rich repeat kinase 2; plus strand). Cytogenetic location: 12q12.
Variant type: single nucleotide variant.
Coding change: c.7400A>G on transcript NM_198578.4 (MANE Select); coding-DNA position 7400, A replaced by G.
Protein change: p.Lys2467Arg; replaces lysine 2467 with arginine.
Molecular consequence: missense variant.
Genome position (GRCh38, 1-based): chr12:40,367,015, A>G. VCF-style: chr12-40367015-A-G. GRCh37 (hg19) VCF-style: chr12-40760817-A-G.
Other names: short protein forms K2467R.
Identifiers: ClinVar variation 3229789 (VCV003229789.1), dbSNP rs1408494842, ClinGen allele CA384415654.
Genomic context (GRCh38, chr12:40,367,015, plus strand): 5'-AGTTTAATATATAGTTTTAACAGAAAACTTACATATTTTGTTTTTGTAAAGGAAGCCTTA[A>G]AAATGTCATGCTGGTATTGGGCTACAACCGGAAAAATACTGAAGGTACACAAAAGCAGAA-3'
Protein context (NP_940980.4, residues 2457-2477): VMMTAQLGSL[Lys2467Arg]NVMLVLGYNR

ClinVar aggregate classification (germline): Uncertain significance (1 of 4 stars; one submission).

Conditions:
Inborn genetic diseases. Identifiers: MedGen C0950123, MeSH D030342.

Submission:

Ambry Genetics
Classification: Uncertain significance for Inborn genetic diseases. Last evaluated: 2023-10-05. Review status: criteria provided, single submitter. Criteria: Ambry Variant Classification Scheme 2023. Collection method: clinical testing. Allele origin: germline.
Comment: The p.K2467R variant (also known as c.7400A>G), located in coding exon 50 of the LRRK2 gene, results from an A to G substitution at nucleotide position 7400. The lysine at codon 2467 is replaced by arginine, an amino acid with highly similar properties. This amino acid position is conserved. In addition, this alteration is predicted to be tolerated by in silico analysis. Since supporting evidence is limited at this time, the clinical significance of this alteration remains unclear.